The following is an entry in ClinVar:

NM_000209.4(PDX1):c.54C>A (p.Cys18Ter)

Gene: PDX1 (pancreatic and duodenal homeobox 1; plus strand). Cytogenetic location: 13q12.2.
Variant type: single nucleotide variant.
Coding change: c.54C>A on transcript NM_000209.4 (MANE Select); coding-DNA position 54, C replaced by A.
Protein change: p.Cys18Ter; replaces cysteine 18 with a stop codon.
Molecular consequence: nonsense.
Genome position (GRCh38, 1-based): chr13:27,920,192, C>A. VCF-style: chr13-27920192-C-A. GRCh37 (hg19) VCF-style: chr13-28494329-C-A.
Other names: short protein forms C18*.
Identifiers: ClinVar variation 3906449 (VCV003906449.1).

ClinVar aggregate classification (germline): Likely pathogenic (1 of 4 stars; one submission).

Submission:

GeneDx
Classification: Likely pathogenic. Last evaluated: 2024-12-20. Review status: criteria provided, single submitter. Criteria: GeneDx Variant Classification Process June 2021. Collection method: clinical testing. Allele origin: germline. Affected: yes.
Comment: Reported without a second variant in an individual with permanent neonatal diabetes and inherited from an unaffected parent in published literature (PMID: 23320570); Nonsense variant predicted to result in protein truncation or nonsense mediated decay in a gene for which loss of function is a known mechanism of disease; Not observed at significant frequency in large population cohorts (gnomAD); This variant is associated with the following publications: (PMID: 24097065, 23320570)